The following is an entry in ClinVar:

NM_001184880.2(PCDH19):c.3070G>A (p.Asp1024Asn)

Gene: PCDH19 (protocadherin 19; minus strand). Cytogenetic location: Xq22.1.
Variant type: single nucleotide variant.
Coding change: c.3070G>A on transcript NM_001184880.2 (MANE Select); coding-DNA position 3070, G replaced by A.
Protein change: p.Asp1024Asn; replaces aspartic acid 1024 with asparagine.
Molecular consequence: missense variant.
Genome position (GRCh38, 1-based): chrX:100,296,654, C>T on the plus strand (G>A on the coding strand, the complement: PCDH19 is on the minus strand). VCF-style: chrX-100296654-C-T. GRCh37 (hg19) VCF-style: chrX-99551652-C-T.
Other names: c.2929G>A, p.Asp977Asn (NM_001105243.2); c.2926G>A, p.Asp976Asn (NM_020766.3); short protein forms D976N, D1024N, D977N.
Identifiers: ClinVar variation 2859202 (VCV002859202.3), dbSNP rs1278838206, ClinGen allele CA414000515.
Genomic context (GRCh38, chrX:100,296,654, plus strand): 5'-AGATGGTCACATCGACAGTCCTCTTGCCTTTCAGGGTAGGCCTCTCCTCAGCCGGGTGGT[C>T]GCTGACATCTTTCCCAAAGGTTGCGAAAGTCCGTTTGGTGGGGCCGCAGTCGTCATAAGC-3'
Protein context (NP_001171809.1, residues 1014-1034): TFATFGKDVS[Asp1024Asn]HPAEERPTLK

ClinVar aggregate classification (germline): Uncertain significance (1 of 4 stars; one submission).

Conditions:
Developmental and epileptic encephalopathy, 9 (DEE9). Also called: Early infantile epileptic encephalopathy 9; PCDH19-Related X-Linked Female-Limited Epilepsy with Mental Retardation; JUBERG-HELLMAN SYNDROME; EPILEPSY, FEMALE-RESTRICTED, WITH MENTAL RETARDATION. Identifiers: Orphanet 101039, Orphanet 2076, MedGen C1848137, MONDO:0010246, OMIM 300088. Disease mechanism: loss of function.

Allele frequency attached by ClinVar (database versions not stated): gnomAD exomes below 0.00001; gnomAD 0.00001; TOPMed 0.00001; 1000 Genomes Project 30x 0.00021.
gnomAD v4.1: 5 of 1,209,205 alleles (0.00041%); highest among the groups gnomAD compares: East Asian, 0.015%; no homozygotes.

Submission:

Labcorp Genetics (formerly Invitae), Labcorp
Classification: Uncertain significance for Developmental and epileptic encephalopathy, 9. Last evaluated: 2024-01-04. Review status: criteria provided, single submitter. Criteria: Invitae Variant Classification Sherloc (09022015). Collection method: clinical testing. Allele origin: germline.
Comment: This sequence change replaces aspartic acid, which is acidic and polar, with asparagine, which is neutral and polar, at codon 1024 of the PCDH19 protein (p.Asp1024Asn). This variant is present in population databases (no rsID available, gnomAD 0.02%). This missense change has been observed in individual(s) with autism and/or hyperphosphatasia with intellectual disability syndrome (PMID: 27177984, 36980870). This variant is also known as c.2926G>A (Asp976Asn). Advanced modeling of protein sequence and biophysical properties (such as structural, functional, and spatial information, amino acid conservation, physicochemical variation, residue mobility, and thermodynamic stability) performed at Invitae indicates that this missense variant is not expected to disrupt PCDH19 protein function with a negative predictive value of 95%. In summary, the available evidence is currently insufficient to determine the role of this variant in disease. Therefore, it has been classified as a Variant of Uncertain Significance.

Literature cited by the submitters: PubMed 27177984; PubMed 36980870.